The following is an entry in ClinVar:

ClinVar aggregate classification (germline): Uncertain significance (1 of 4 stars; one submission).

Conditions:
Inborn genetic diseases. Identifiers: MedGen C0950123, MeSH D030342.

Submission:

Ambry Genetics
Classification: Uncertain significance for Inborn genetic diseases. Last evaluated: 2025-11-28. Review status: criteria provided, single submitter. Criteria: Ambry Variant Classification Scheme 2023. Collection method: clinical testing. Allele origin: germline.
Comment: The p.P1679S variant (also known as c.5035C>T), located in coding exon 34 of the ANKRD26 gene, results from a C to T substitution at nucleotide position 5035. The proline at codon 1679 is replaced by serine, an amino acid with similar properties. This amino acid position is conserved. In addition, this alteration is predicted to be tolerated by in silico analysis. Based on the available evidence, the clinical significance of this variant remains unclear.

NM_014915.3(ANKRD26):c.5035C>T (p.Pro1679Ser)

Gene: ANKRD26 (ankyrin repeat domain 26; minus strand). Cytogenetic location: 10p12.1.
Variant type: single nucleotide variant.
Coding change: c.5035C>T on transcript NM_014915.3 (MANE Select); coding-DNA position 5035, C replaced by T.
Protein change: p.Pro1679Ser; replaces proline 1679 with serine.
Molecular consequence: missense variant.
Genome position (GRCh38, 1-based): chr10:27,005,688, G>A on the plus strand (C>T on the coding strand, the complement: ANKRD26 is on the minus strand). VCF-style: chr10-27005688-G-A. GRCh37 (hg19) VCF-style: chr10-27294617-G-A.
Other names: c.5032C>T, p.Pro1678Ser (NM_001256053.2); short protein forms P1679S, P1678S.
Identifiers: ClinVar variation 4580211 (VCV004580211.1).
Genomic context (GRCh38, chr10:27,005,688, plus strand): 5'-CTCTTGATGCTTTCCAAACTAGATCTTGATTTAGATTTGACTCATCAGTAGACCCTAGAG[G>A]GGAAGCTATTGATCCAGATTCCAATTCAGCAGCAGCTAGAATGAAAAAGAAAGAATTATA-3'
Protein context (NP_055730.2, residues 1669-1689): AELESGSIAS[Pro1679Ser]LGSTDESNLN